The following is an entry in ClinVar:

ClinVar aggregate classification (germline): Likely benign; drug response; other. Review status: criteria provided, multiple submitters, no conflicts (2 of 4 stars). 6 submissions from 5 submitters: Likely benign (1). 2 of the submissions do not count toward it. Last evaluated 2019-05-01.

Conditions:
Debrisoquine, poor metabolism of. Identifiers: MedGen C1837156.
Tamoxifen response. Also called: Nolvadex response. Identifiers: MedGen CN078013.
Tramadol response. Also called: Ultram response. Identifiers: MedGen CN078023.
Deutetrabenazine response. Also called: Austedo response. Identifiers: MedGen CN258189.

Allele frequency attached by ClinVar (database versions not stated): gnomAD 0.18675 and 0.18996; TOPMed 0.19196; gnomAD exomes 0.20875 and 0.21454; 1000 Genomes Project 30x 0.22892; 1000 Genomes Project 0.23802; ExAC 0.24669.

Submissions (6):

Medical Genetics Summaries
Classification: drug response for Deutetrabenazine response. Last evaluated: 2019-05-01. Review status: criteria provided, single submitter. Criteria: Deutetrabenazine Therapy and CYP2D6 Genotype. Collection method: curation. Allele origin: germline.
Comment: CYP2D6*10 has decreased function: individuals with one decreased function and one no function allele (e.g., *4/*10) are intermediate metabolizers; individuals with two decreased function alleles (e.g. *10/*10) are normal metabolizers or intermediate metabolizers (controversy remains). Therapeutic recommendations from professional societies state that the maximum dose of deutetrabenazine should not exceed 36 mg per day in individuals with 2 decreased function alleles (CYP2D6 poor metabolizers) to avoid abnormally high plasma levels due to reduced metabolic clearance.

Medical Genetics Summaries
Classification: drug response for Tamoxifen response. Last evaluated: 2019-05-01. Review status: criteria provided, single submitter. Criteria: Tamoxifen Therapy and CYP2D6 Genotype. Collection method: curation. Allele origin: germline.
Comment: CYP2D6*10 has decreased function: individuals with one decreased function and one no function allele (e.g., *4/*10) are intermediate metabolizers; individuals with two decreased function alleles (e.g. *10/*10) are normal metabolizers or intermediate metabolizers (controversy remains). Therapeutic recommendations from professional societies state that intermediate metabolizers may benefit less from tamoxifen therapy because they have lower concentrations of tamoxifen's major active metabolite, endoxifin, compared with normal metabolizers. For tamoxifen, CPIC prescribing recommendations for individuals with an activity score (AS) of 1.0 are allele dependent, based on the presence of the *10 allele: if a *10 allele is present, individuals are provided a 'moderate' recommendation; if *10 is NOT present, individuals are graded as 'optional' because the recommendations are primarily extrapolated from evidence generated from *10 individuals (i.e., limited data for clinical outcomes and pharmacokinetics for this group).

Eurofins Ntd Llc (ga)
Classification: other. Last evaluated: 2018-08-06. Review status: criteria provided, single submitter. Criteria: EGL ClinVar v180209 classification definitions. Collection method: clinical testing. Allele origin: germline.

GeneDx
Classification: Likely benign. Last evaluated: 2018-03-09. Review status: criteria provided, single submitter. Criteria: GeneDx Variant Classification (06012015). Collection method: clinical testing. Allele origin: germline. Affected: yes.
Comment: This variant is considered likely benign or benign based on one or more of the following criteria: it is a conservative change, it occurs at a poorly conserved position in the protein, it is predicted to be benign by multiple in silico algorithms, and/or has population frequency not consistent with disease.

OMIM
Classification: drug response for DEBRISOQUINE, POOR METABOLISM OF. Last evaluated: 2023-08-08. Review status: no assertion criteria provided. Collection method: literature only. Allele origin: germline. Not counted in ClinVar's aggregate classification.

Bruce Budowle Laboratory, University of North Texas Health Science Center
Classification: drug response for Tramadol response. Last evaluated: 2018-04-28. Review status: no assertion criteria provided. Collection method: research. Allele origin: somatic. Affected: yes. Observed: 32 variant alleles. Not counted in ClinVar's aggregate classification.

Literature cited by the submitters: PubMed 27380339 (cited by Medical Genetics Summaries); PubMed 27380342 (cited by Medical Genetics Summaries); PubMed 27819145 (cited by Medical Genetics Summaries); PubMed 29497277 (cited by Medical Genetics Summaries); PubMed 28265459 (cited by Medical Genetics Summaries); PubMed 29449008 (cited by Medical Genetics Summaries); PubMed 29385237 (cited by Medical Genetics Summaries); PubMed 21814747 (cited by Medical Genetics Summaries); PubMed 15159443 (cited by Medical Genetics Summaries); PubMed 24697814 (cited by Medical Genetics Summaries); PubMed 28955222 (cited by Medical Genetics Summaries); PubMed 29459457 (cited by Medical Genetics Summaries); PubMed 29801584 (cited by Medical Genetics Summaries); PubMed 27883289 (cited by Medical Genetics Summaries); PubMed 28592184 (cited by Medical Genetics Summaries); PubMed 27249031 (cited by Medical Genetics Summaries); PubMed 27060675 (cited by Medical Genetics Summaries); PubMed 27551126 (cited by Medical Genetics Summaries); PubMed 27226358 (cited by Medical Genetics Summaries); PubMed 29183390 (cited by Medical Genetics Summaries); PubMed 28762370 (cited by Medical Genetics Summaries); PubMed 23872831 (cited by Medical Genetics Summaries); PubMed 24033728 (cited by Medical Genetics Summaries); PubMed 29135105 (cited by Medical Genetics Summaries); PubMed 28730340 (cited by Medical Genetics Summaries); PubMed 22395644 (cited by Medical Genetics Summaries); PubMed 22395643 (cited by Medical Genetics Summaries); PubMed 27988492 (cited by Medical Genetics Summaries); PubMed 30676859 (cited by Medical Genetics Summaries); PubMed 17761971 (cited by Medical Genetics Summaries); PubMed 25091503 (cited by Medical Genetics Summaries); PubMed 24329190 (cited by Medical Genetics Summaries); PubMed 24060820 (cited by Medical Genetics Summaries); PubMed 27797974 (cited by Medical Genetics Summaries); PubMed 19809024 (cited by Medical Genetics Summaries); PubMed 2211621 (cited by OMIM); PubMed 12051754 (cited by OMIM).

CYP2D6*10

Gene: CYP2D6 (cytochrome P450 family 2 subfamily D member 6 (gene/pseudogene); minus strand). Cytogenetic location: 22q13.2.
Variant type: single nucleotide variant.
Molecular consequence: missense variant (on NM_000106.6).
Genome position: GRCh38 VCF-style: chr22-42130692-G-A. GRCh37 (hg19) VCF-style: chr22-42526694-G-A.
Other names: NM_000106.6(CYP2D6):c.100C>T (p.Pro34Ser); c.100C>T, p.Pro34Ser (NM_000106.6, NM_001025161.3); short protein forms P34S.
Identifiers: ClinVar variation 16893 (VCV000016893.11), dbSNP rs1065852, ClinGen allele CA126956.